The following is an entry in ClinVar:

NM_015656.2(KIF26A):c.5143C>G (p.Leu1715Val)

Gene: KIF26A (kinesin family member 26A; plus strand). Cytogenetic location: 14q32.33.
Variant type: single nucleotide variant.
Coding change: c.5143C>G on transcript NM_015656.2 (MANE Select); coding-DNA position 5143, C replaced by G.
Protein change: p.Leu1715Val; replaces leucine 1715 with valine.
Molecular consequence: missense variant.
Genome position (GRCh38, 1-based): chr14:104,178,582, C>G. VCF-style: chr14-104178582-C-G. GRCh37 (hg19) VCF-style: chr14-104644919-C-G.
Other names: short protein forms L1715V.
Identifiers: ClinVar variation 3900071 (VCV003900071.1).
Genomic context (GRCh38, chr14:104,178,582, plus strand): 5'-TCACCCTGTGCCCGGCTCTCCGTTCCAGGTCTGCAGCGGCGGCGCCTGATTCCCGCCCCA[C>G]TGCCCGACACCACTGCCCTGGGCCGTAAGCCCAGCCTCCCCGGGCAGTGGGTGGACCTGC-3'
Protein context (NP_056471.1, residues 1705-1725): LQRRRLIPAP[Leu1715Val]PDTTALGRKP

ClinVar aggregate classification (germline): Uncertain significance (1 of 4 stars; one submission).

Submission:

GeneDx
Classification: Uncertain significance. Last evaluated: 2024-11-25. Review status: criteria provided, single submitter. Criteria: GeneDx Variant Classification Process June 2021. Collection method: clinical testing. Allele origin: germline. Affected: yes.
Comment: Not observed at significant frequency in large population cohorts (gnomAD); In silico analysis indicates that this missense variant does not alter protein structure/function; Has not been previously published as pathogenic or benign to our knowledge